The following is an entry in ClinVar:

ClinVar aggregate classification (germline): Uncertain significance (1 of 4 stars; one submission).

Conditions:
Hypertrophic cardiomyopathy. Also called: HYPERTROPHIC MYOCARDIOPATHY. Identifiers: Orphanet 217569, MedGen C0007194, MeSH D002312, MONDO:0005045, HP:0001639.

Submission:

Labcorp Genetics (formerly Invitae), Labcorp
Classification: Uncertain significance for Hypertrophic cardiomyopathy. Last evaluated: 2024-03-12. Review status: criteria provided, single submitter. Criteria: Invitae Variant Classification Sherloc (09022015). Collection method: clinical testing. Allele origin: germline.
Comment: This sequence change replaces histidine, which is basic and polar, with aspartic acid, which is acidic and polar, at codon 1123 of the MYBPC3 protein (p.His1123Asp). This variant is not present in population databases (gnomAD no frequency). This variant has not been reported in the literature in individuals affected with MYBPC3-related conditions. An algorithm developed to predict the effect of missense changes on protein structure and function (PolyPhen-2) suggests that this variant is likely to be disruptive. In summary, the available evidence is currently insufficient to determine the role of this variant in disease. Therefore, it has been classified as a Variant of Uncertain Significance.

NM_000256.3(MYBPC3):c.3367C>G (p.His1123Asp)

Gene: MYBPC3 (myosin binding protein C3; minus strand). Cytogenetic location: 11p11.2.
Variant type: single nucleotide variant.
Coding change: c.3367C>G on transcript NM_000256.3 (MANE Select); coding-DNA position 3367, C replaced by G.
Protein change: p.His1123Asp; replaces histidine 1123 with aspartic acid.
Molecular consequence: missense variant.
Genome position (GRCh38, 1-based): chr11:47,332,937, G>C on the plus strand (C>G on the coding strand, the complement: MYBPC3 is on the minus strand). VCF-style: chr11-47332937-G-C. GRCh37 (hg19) VCF-style: chr11-47354488-G-C.
Other names: short protein forms H1123D.
Identifiers: ClinVar variation 2698079 (VCV002698079.3), dbSNP rs1368781650, ClinGen allele CA380313781.